The following is an entry in ClinVar:

NM_016107.5(ZFR):c.1588_1590del (p.Pro530del)

Gene: ZFR (zinc finger RNA binding protein; minus strand). Cytogenetic location: 5p13.3.
Variant type: Deletion.
Coding change: c.1588_1590del on transcript NM_016107.5 (MANE Select); coding-DNA positions 1588 to 1590, 3 bases deleted (CCT; older notation c.1588_1590delCCT).
Protein change: p.Pro530del; deletes proline 530.
Molecular consequence: inframe deletion. On other transcripts: non-coding transcript variant (1).
Genome position (GRCh38, 1-based): chr5:32,400,130-32,400,132, AGG deleted on the plus strand (CCT on the coding strand, the reverse complement: ZFR is on the minus strand); deleting any 3 consecutive bases within chr5:32,400,130-32,400,134 gives the same sequence; the c. name uses the placement nearest the transcript's 3' end. VCF-style (leftmost placement, unchanged base first): chr5-32400129-CAGG-C. GRCh37 (hg19) VCF-style: chr5-32400234-CAGG-C.
Other names: short protein forms P530del.
Identifiers: ClinVar variation 939270 (VCV000939270.10), dbSNP rs770857902, ClinGen allele CA3221782.
Genomic context (GRCh38, chr5:32,400,129, plus strand): 5'-GTGTGACTGGTTCTGACACTGTGTCTTGCTTTACTTCAGGAATCTGCACAGCAGAAGTGA[CAGG>C]AGTACTTTTAACACATTCGGTTCCTTTTATGTCTTCTGCTTTATTTCCTGTTGACTGCAG-3'

ClinVar aggregate classification (germline): Uncertain significance (1 of 4 stars; one submission).

Conditions:
Pure or complex autosomal recessive spastic paraplegia. Identifiers: Orphanet 320346, MedGen C5679887, MONDO:0017915.

Submission:

Labcorp Genetics (formerly Invitae), Labcorp
Classification: Uncertain significance for Pure or complex autosomal recessive spastic paraplegia. Last evaluated: 2019-06-29. Review status: criteria provided, single submitter. Criteria: Invitae Variant Classification Sherloc (09022015). Collection method: clinical testing. Allele origin: germline.
Comment: In summary, the available evidence is currently insufficient to determine the role of this variant in disease. Therefore, it has been classified as a Variant of Uncertain Significance. Experimental studies and prediction algorithms are not available or were not evaluated for this variant, and the functional significance of the affected amino acid(s) is currently unknown. This variant has not been reported in the literature in individuals with ZFR-related conditions. The frequency data for this variant in the population databases is considered unreliable, as metrics indicate poor data quality at this position in the ExAC database. This variant, c.1588_1590del, results in the deletion of 1 amino acid(s) of the ZFR protein (p.Pro530del), but otherwise preserves the integrity of the reading frame.